The following is an entry in ClinVar:

ClinVar aggregate classification (germline): Conflicting classifications of pathogenicity. Review status: criteria provided, conflicting classifications (1 of 4 stars). 3 submissions from 3 submitters: Uncertain significance (1); Likely benign (2). Last evaluated 2025-09-16.

Conditions:
Long QT syndrome (LQTS). Identifiers: MedGen C0023976, MeSH D008133, MONDO:0002442. Disease mechanism: loss of function. Inheritance: Various modes of inheritance.
Cardiovascular phenotype. Identifiers: MedGen CN230736.

Submissions (3):

Labcorp Genetics (formerly Invitae), Labcorp
Classification: Likely benign for Long QT syndrome. Last evaluated: 2025-09-16. Review status: criteria provided, single submitter. Criteria: Invitae Variant Classification Sherloc (09022015). Collection method: clinical testing. Allele origin: germline.

All of Us Research Program, National Institutes of Health
Classification: Uncertain significance for Long QT syndrome. Last evaluated: 2023-06-26. Review status: criteria provided, single submitter. Criteria: ACMG Guidelines, 2015. Collection method: clinical testing. Allele origin: germline. Inheritance: Autosomal dominant inheritance. Observed: 1 variant allele, 1 heterozygote.
Comment: This variant is located in the KCNQ1 protein. To our knowledge, functional studies have not been reported for this variant. This variant has not been reported in individuals affected with KCNQ1-related disorders in the literature. This variant has not been identified in the general population by the Genome Aggregation Database (gnomAD). The available evidence is insufficient to determine the role of this variant in disease conclusively. Therefore, this variant is classified as a Variant of Uncertain Significance.

This study involves interpretation of variants in research participants for the purpose of population health screening. Participant phenotype was not available at the time of variant classification. Additional details can be found in publication PMID: 35346344, PMCID: PMC8962531

Ambry Genetics
Classification: Likely benign for Cardiovascular phenotype. Last evaluated: 2023-06-18. Review status: criteria provided, single submitter. Criteria: Ambry Variant Classification Scheme 2023. Collection method: clinical testing. Allele origin: germline.

NM_000218.3(KCNQ1):c.1962G>C (p.Leu654=)

Genes: KCNQ1 (potassium voltage-gated channel subfamily Q member 1; plus strand), KCNQ1-AS1 (KCNQ1 antisense RNA 1; minus strand). Cytogenetic location: 11p15.4.
Variant type: single nucleotide variant.
Coding change: c.1962G>C on transcript NM_000218.3 (MANE Select); coding-DNA position 1962, G replaced by C.
Protein change: p.Leu654=; no amino-acid change (leucine 654 retained).
Molecular consequence: synonymous variant.
Genome position (GRCh38, 1-based): chr11:2,847,934, G>C. VCF-style: chr11-2847934-G-C. GRCh37 (hg19) VCF-style: chr11-2869164-G-C.
Other names: c.1866G>C, p.Leu622= (NM_001406836.1); c.1692G>C, p.Leu564= (NM_001406837.1); c.1422G>C, p.Leu474= (NM_001406838.1); c.474G>C, p.Leu158= (NM_001406839.1); c.1581G>C, p.Leu527= (NM_181798.2).
Identifiers: ClinVar variation 2153838 (VCV002153838.7), dbSNP rs749198171, ClinGen allele CA033979.